The following is an entry in ClinVar:

NM_001101426.4(CRPPA):c.661G>A (p.Val221Met)

Gene: CRPPA (CDP-L-ribitol pyrophosphorylase A; minus strand). Cytogenetic location: 7p21.2.
Variant type: single nucleotide variant.
Coding change: c.661G>A on transcript NM_001101426.4 (MANE Select); coding-DNA position 661, G replaced by A.
Protein change: p.Val221Met; replaces valine 221 with methionine.
Molecular consequence: missense variant. On other transcripts: non-coding transcript variant (1), intron variant (1).
Genome position (GRCh38, 1-based): chr7:16,376,115, C>T on the plus strand (G>A on the coding strand, the complement: CRPPA is on the minus strand). VCF-style: chr7-16376115-C-T. GRCh37 (hg19) VCF-style: chr7-16415740-C-T.
Other names: c.661G>A, p.Val221Met (NM_001368197.1); c.534+29946G>A (NM_001101417.4); short protein forms V221M.
Identifiers: ClinVar variation 960433 (VCV000960433.10), dbSNP rs749732549, ClinGen allele CA4169547.

ClinVar aggregate classification (germline): Uncertain significance (1 of 4 stars; one submission).

Conditions:
Autosomal recessive limb-girdle muscular dystrophy type 2U. Also called: Muscular dystrophy-dystroglycanopathy (limb-girdle), type c, 7; MUSCULAR DYSTROPHY, LIMB-GIRDLE, TYPE 2U. Identifiers: Orphanet 352479, MedGen C5190987, MONDO:0014474, OMIM 616052.
Muscular dystrophy-dystroglycanopathy (congenital with brain and eye anomalies), type A, 7. Also called: Congenital muscular dystrophy-dystroglycanopathy with brain and eye anomalies, type A7; WALKER-WARBURG SYNDROME OR MUSCLE-EYE-BRAIN DISEASE, ISPD-RELATED. Identifiers: Orphanet 899, MedGen C3553330, MONDO:0013835, OMIM 614643.

Allele frequency attached by ClinVar (database versions not stated): gnomAD exomes below 0.00001 and 0.00002; ExAC 0.00002.
gnomAD v4.1: 6 of 1,603,006 alleles (0.00037%); highest among the groups gnomAD compares: South Asian, 0.0056%; no homozygotes.

Submission:

Labcorp Genetics (formerly Invitae), Labcorp
Classification: Uncertain significance for Muscular dystrophy-dystroglycanopathy (congenital with brain and eye anomalies), type A, 7; Autosomal recessive limb-girdle muscular dystrophy type 2U. Last evaluated: 2020-10-19. Review status: criteria provided, single submitter. Criteria: Invitae Variant Classification Sherloc (09022015). Collection method: clinical testing. Allele origin: germline.
Comment: In summary, the available evidence is currently insufficient to determine the role of this variant in disease. Therefore, it has been classified as a Variant of Uncertain Significance. Algorithms developed to predict the effect of missense changes on protein structure and function are either unavailable or do not agree on the potential impact of this missense change (SIFT: "Deleterious"; PolyPhen-2: "Probably Damaging"; Align-GVGD: "Class C0"). This variant has not been reported in the literature in individuals with ISPD-related conditions. This variant is present in population databases (rs749732549, ExAC 0.01%). This sequence change replaces valine with methionine at codon 221 of the ISPD protein (p.Val221Met). The valine residue is highly conserved and there is a small physicochemical difference between valine and methionine.